The following is an entry in ClinVar:

ClinVar aggregate classification (germline): Uncertain significance (1 of 4 stars; one submission).

Conditions:
Cardiovascular phenotype. Identifiers: MedGen CN230736.

Allele frequency attached by ClinVar (database versions not stated): ESP Exome Variant Server 0.00008.
gnomAD v4.1: 22 of 1,612,902 alleles (0.0014%); highest among the groups gnomAD compares: Non-Finnish European, 0.0017%; no homozygotes.

Submission:

Ambry Genetics
Classification: Uncertain significance for Cardiovascular phenotype. Last evaluated: 2024-07-07. Review status: criteria provided, single submitter. Criteria: Ambry Variant Classification Scheme 2023. Collection method: clinical testing. Allele origin: germline.
Comment: The p.R218L variant (also known as c.653G>T), located in coding exon 5 of the ABCG8 gene, results from a G to T substitution at nucleotide position 653. The arginine at codon 218 is replaced by leucine, an amino acid with dissimilar properties. This amino acid position is conserved. In addition, the in silico prediction for this alteration is inconclusive. Since supporting evidence is limited at this time, the clinical significance of this alteration remains unclear.

NM_022437.3(ABCG8):c.653G>T (p.Arg218Leu)

Gene: ABCG8 (ATP binding cassette subfamily G member 8; plus strand). Cytogenetic location: 2p21.
Variant type: single nucleotide variant.
Coding change: c.653G>T on transcript NM_022437.3 (MANE Select); coding-DNA position 653, G replaced by T.
Protein change: p.Arg218Leu; replaces arginine 218 with leucine.
Molecular consequence: missense variant.
Genome position (GRCh38, 1-based): chr2:43,852,445, G>T. VCF-style: chr2-43852445-G-T. GRCh37 (hg19) VCF-style: chr2-44079584-G-T.
Other names: c.653G>T, p.Arg218Leu (NM_001357321.2); short protein forms R218L.
Identifiers: ClinVar variation 1754110 (VCV001754110.3), dbSNP rs143907686, ClinGen allele CA1637107.